The following is an entry in ClinVar:

ClinVar aggregate classification (germline): Conflicting classifications of pathogenicity. Review status: criteria provided, conflicting classifications (1 of 4 stars). 4 submissions from 4 submitters: Uncertain significance (3); Likely benign (1). Last evaluated 2026-04-14.

Conditions:
Muscular dystrophy-dystroglycanopathy (congenital with brain and eye anomalies), type A2. Also called: MUSCULAR DYSTROPHY-DYSTROGLYCANOPATHY (CONGENITAL WITH BRAIN AND EYE ANOMALIES), TYPE A, 2; WALKER-WARBURG SYNDROME OR MUSCLE-EYE-BRAIN DISEASE, POMT2-RELATED. Identifiers: Orphanet 588, Orphanet 899, MedGen C3150411, MONDO:0013154, OMIM 613150.
Muscular dystrophy-dystroglycanopathy (congenital with impaired intellectual development), type B, 2. Also called: Muscular dystrophy-dystroglycanopathy (congenital with intellectual disability), type B2; MUSCULAR DYSTROPHY, CONGENITAL, POMT2-RELATED. Identifiers: MedGen C3150416, MONDO:0013160, OMIM 613156.
Autosomal recessive limb-girdle muscular dystrophy type 2N. Also called: Muscular dystrophy-dystroglycanopathy (limb-girdle), type C, 2; MUSCULAR DYSTROPHY-DYSTROGLYCANOPATHY, LIMB-GIRDLE, POMT2-RELATED. Identifiers: Orphanet 206559, MedGen C3150418, MONDO:0013162, OMIM 613158.

Allele frequency attached by ClinVar (database versions not stated): gnomAD exomes 0.00019 and 0.00008; gnomAD 0.00015; 1000 Genomes Project 30x 0.00016; 1000 Genomes Project 0.00020; TOPMed 0.00004; ExAC 0.00030.
gnomAD v4.1: 148 of 1,607,862 alleles (0.0092%); highest among the groups gnomAD compares: Admixed American, 0.0083%; no homozygotes.

Submissions (4):

Women's Health and Genetics/Laboratory Corporation of America, LabCorp
Classification: Uncertain significance. Last evaluated: 2026-04-14. Review status: criteria provided, single submitter. Criteria: LabCorp Variant Classification Summary - May 2015. Collection method: clinical testing. Allele origin: germline.

Blueprint Genetics
Classification: Likely benign. Last evaluated: 2024-09-12. Review status: criteria provided, single submitter. Criteria: ACMG Guidelines, 2015. Collection method: clinical testing. Allele origin: germline.

Labcorp Genetics (formerly Invitae), Labcorp
Classification: Uncertain significance for Muscular dystrophy-dystroglycanopathy (congenital with impaired intellectual development), type B, 2; Muscular dystrophy-dystroglycanopathy (congenital with brain and eye anomalies), type A2; Autosomal recessive limb-girdle muscular dystrophy type 2N. Last evaluated: 2022-09-01. Review status: criteria provided, single submitter. Criteria: Invitae Variant Classification Sherloc (09022015). Collection method: clinical testing. Allele origin: germline.
Comment: This sequence change falls in intron 5 of the POMT2 gene. It does not directly change the encoded amino acid sequence of the POMT2 protein. It affects a nucleotide within the consensus splice site. This variant is present in population databases (rs561052172, gnomAD 0.09%). This variant has not been reported in the literature in individuals affected with POMT2-related conditions. ClinVar contains an entry for this variant (Variation ID: 471396). Variants that disrupt the consensus splice site are a relatively common cause of aberrant splicing (PMID: 17576681, 9536098). Algorithms developed to predict the effect of sequence changes on RNA splicing suggest that this variant is not likely to affect RNA splicing. In summary, the available evidence is currently insufficient to determine the role of this variant in disease. Therefore, it has been classified as a Variant of Uncertain Significance.

Eurofins Ntd Llc (ga)
Classification: Uncertain significance. Last evaluated: 2018-03-20. Review status: criteria provided, single submitter. Criteria: EGL ClinVar v180209 classification definitions. Collection method: clinical testing. Allele origin: germline. Observed: 2 variant alleles, 2 heterozygotes.

Literature cited by the submitters: PubMed 17576681 (cited by Labcorp Genetics (formerly Invitae), Labcorp); PubMed 9536098 (cited by Labcorp Genetics (formerly Invitae), Labcorp).

NM_013382.7(POMT2):c.656+3C>G

Gene: POMT2 (protein O-mannosyltransferase 2; minus strand). Cytogenetic location: 14q24.3.
Variant type: single nucleotide variant.
Coding change: c.656+3C>G on transcript NM_013382.7 (MANE Select); 3 bases into the intron after coding-DNA position 656, C replaced by G.
Molecular consequence: intron variant.
Genome position (GRCh38, 1-based): chr14:77,302,832, G>C on the plus strand (C>G on the coding strand, the complement: POMT2 is on the minus strand). VCF-style: chr14-77302832-G-C. GRCh37 (hg19) VCF-style: chr14-77769175-G-C.
Identifiers: ClinVar variation 471396 (VCV000471396.16), dbSNP rs561052172, ClinGen allele CA7286134.